The following is an entry in ClinVar:

ClinVar aggregate classification (germline): Pathogenic. Review status: reviewed by expert panel (3 of 4 stars). 3 submissions from 3 submitters: Pathogenic (1). 2 of the submissions do not count toward it. Last evaluated 2017-12-15.

Conditions:
Hereditary breast ovarian cancer syndrome. Also called: Hereditary breast and ovarian cancer syndrome; Hereditary breast and/or ovarian cancer syndrome; BRCA1- and BRCA2-Associated Hereditary Breast and Ovarian Cancer; Hereditary breast and ovarian cancer syndrome (HBOC); Hereditary breast and ovarian cancer; Breast and ovarian cancer. Identifiers: Orphanet 145, MedGen C0677776, MeSH D061325, MONDO:0003582. Disease mechanism: loss of function.
Breast-ovarian cancer, familial, susceptibility to, 2 (BROVCA2). Also called: BRCA2 Hereditary Breast and Ovarian Cancer. Identifiers: Orphanet 145, MedGen C2675520, MONDO:0012933, OMIM 612555. Disease mechanism: loss of function.
Hereditary cancer-predisposing syndrome. Also called: Hereditary neoplastic syndrome; Neoplastic Syndromes, Hereditary; Tumor predisposition; Hereditary Cancer Syndrome. Identifiers: Orphanet 140162, MedGen C0027672, MeSH D009386, MONDO:0015356.

Submissions (3):

Evidence-based Network for the Interpretation of Germline Mutant Alleles (ENIGMA)
Classification: Pathogenic for Breast-ovarian cancer, familial, susceptibility to, 2. Last evaluated: 2017-12-15. Review status: reviewed by expert panel. Criteria: ENIGMA BRCA1/2 Classification Criteria (2017-06-29). Collection method: curation. Allele origin: germline. Study: ENIGMA.
Comment: Variant allele predicted to encode a truncated non-functional protein.

Labcorp Genetics (formerly Invitae), Labcorp
Classification: Pathogenic for Hereditary breast ovarian cancer syndrome. Last evaluated: 2025-11-01. Review status: criteria provided, single submitter. Criteria: Invitae Variant Classification Sherloc (09022015). Collection method: clinical testing. Allele origin: germline. Not counted in ClinVar's aggregate classification.
Comment: This sequence change creates a premature translational stop signal (p.His2074Thrfs*7) in the BRCA2 gene. It is expected to result in an absent or disrupted protein product. Loss-of-function variants in BRCA2 are known to be pathogenic (PMID: 20104584). This variant is not present in population databases (gnomAD no frequency). This variant has not been reported in the literature in individuals affected with BRCA2-related conditions. ClinVar contains an entry for this variant (Variation ID: 409450). For these reasons, this variant has been classified as Pathogenic.

Color Diagnostics, LLC DBA Color Health
Classification: Pathogenic for Hereditary cancer-predisposing syndrome. Last evaluated: 2025-05-21. Review status: criteria provided, single submitter. Criteria: ACMG Guidelines, 2015. Collection method: clinical testing. Allele origin: germline. Not counted in ClinVar's aggregate classification.
Comment: This variant deletes 1 nucleotide in exon 11 of the BRCA2 gene, creating a frameshift and premature translation stop signal. This variant is expected to result in an absent or non-functional protein product. This variant has been reported in an individual with personal and/or family history of breast and ovarian cancer and an individual with dual primary breast and lung cancer (PMID: 37461096, 38566764). This variant has not been identified in the general population by the Genome Aggregation Database (gnomAD). Loss of BRCA2 function is a known mechanism of disease. Based on the available evidence, this variant is classified as Pathogenic.

Literature cited by the submitters: PubMed 20104584 (cited by Labcorp Genetics (formerly Invitae), Labcorp); PubMed 37461096 (cited by Color Diagnostics, LLC DBA Color Health); PubMed 38566764 (cited by Color Diagnostics, LLC DBA Color Health).

NM_000059.4(BRCA2):c.6220del (p.His2074fs)

Gene: BRCA2 (BRCA2 DNA repair associated; plus strand). Cytogenetic location: 13q13.1.
Variant type: Deletion.
Coding change: c.6220del on transcript NM_000059.4 (MANE Select); coding-DNA position 6220, one base deleted (C; older notation c.6220delC).
Protein change: p.His2074fs; shifts the reading frame from histidine 2074.
Molecular consequence: frameshift variant.
Genome position (GRCh38, 1-based): chr13:32,340,575, C deleted. VCF-style (leftmost placement, unchanged base first): chr13-32340574-AC-A. GRCh37 (hg19) VCF-style: chr13-32914711-AC-A.
Other names: c.6220delC (NM_000059.3); short protein forms H2074fs.
Identifiers: ClinVar variation 409450 (VCV000409450.9), dbSNP rs1060502400, ClinGen allele CA16614193.